The following is an entry in ClinVar:

NM_001375808.2(LPIN2):c.388A>G (p.Thr130Ala)

Gene: LPIN2 (lipin 2; minus strand). Cytogenetic location: 18p11.31.
Variant type: single nucleotide variant.
Coding change: c.388A>G on transcript NM_001375808.2 (MANE Select); coding-DNA position 388, A replaced by G.
Protein change: p.Thr130Ala; replaces threonine 130 with alanine.
Molecular consequence: missense variant.
Genome position (GRCh38, 1-based): chr18:2,951,257, T>C on the plus strand (A>G on the coding strand, the complement: LPIN2 is on the minus strand). VCF-style: chr18-2951257-T-C. GRCh37 (hg19) VCF-style: chr18-2951255-T-C.
Other names: c.388A>G, p.Thr130Ala (NM_001375809.1, NM_014646.2); short protein forms T130A.
Identifiers: ClinVar variation 468457 (VCV000468457.8), dbSNP rs191101701, ClinGen allele CA8873565.

ClinVar aggregate classification (germline): Uncertain significance. Review status: criteria provided, multiple submitters, no conflicts (2 of 4 stars). 2 submissions from 2 submitters: Uncertain significance (2). Last evaluated 2025-04-02.

Conditions:
Inborn genetic diseases. Identifiers: MedGen C0950123, MeSH D030342.
Majeed syndrome (MJDS). Also called: CHRONIC RECURRENT MULTIFOCAL OSTEOMYELITIS 1, WITH CONGENITAL DYSERYTHROPOIETIC ANEMIA, WITH OR WITHOUT NEUTROPHILIC DERMATOSIS; LPIN2-Related Majeed Syndrome. Identifiers: Orphanet 77297, MedGen C1864997, MONDO:0012316, OMIM 609628.

Allele frequency attached by ClinVar (database versions not stated): ExAC 0.00001; TOPMed 0.00001; gnomAD 0.00002 and 0.00003; 1000 Genomes Project 30x 0.00016; 1000 Genomes Project 0.00020.
gnomAD v4.1: 9 of 1,614,012 alleles (0.00056%); highest among the groups gnomAD compares: Admixed American, 0.015%; no homozygotes.

Submissions (2):

Ambry Genetics
Classification: Uncertain significance for Inborn genetic diseases. Last evaluated: 2025-04-02. Review status: criteria provided, single submitter. Criteria: Ambry Variant Classification Scheme 2023. Collection method: clinical testing. Allele origin: germline.

Labcorp Genetics (formerly Invitae), Labcorp
Classification: Uncertain significance for Majeed syndrome. Last evaluated: 2022-07-15. Review status: criteria provided, single submitter. Criteria: Invitae Variant Classification Sherloc (09022015). Collection method: clinical testing. Allele origin: germline.
Comment: In summary, the available evidence is currently insufficient to determine the role of this variant in disease. Therefore, it has been classified as a Variant of Uncertain Significance. Algorithms developed to predict the effect of missense changes on protein structure and function (SIFT, PolyPhen-2, Align-GVGD) all suggest that this variant is likely to be tolerated. ClinVar contains an entry for this variant (Variation ID: 468457). This variant has not been reported in the literature in individuals affected with LPIN2-related conditions. This variant is present in population databases (rs191101701, gnomAD 0.003%). This sequence change replaces threonine, which is neutral and polar, with alanine, which is neutral and non-polar, at codon 130 of the LPIN2 protein (p.Thr130Ala).